The following is an entry in ClinVar:

ClinVar aggregate classification (germline): Uncertain significance (1 of 4 stars; one submission).

Conditions:
Hereditary pancreatitis (PCTT). Also called: Hereditary chronic pancreatitis; PRSS1-Related Hereditary Pancreatitis. Identifiers: Orphanet 676, MedGen C0238339, MONDO:0008185, OMIM 167800.

Submission:

Ambry Genetics
Classification: Uncertain significance for Hereditary pancreatitis. Last evaluated: 2025-11-30. Review status: criteria provided, single submitter. Criteria: Ambry Variant Classification Scheme 2023. Collection method: clinical testing. Allele origin: germline.
Comment: The p.T221I variant (also known as c.662C>T), located in coding exon 6 of the CPA1 gene, results from a C to T substitution at nucleotide position 662. The threonine at codon 221 is replaced by isoleucine, an amino acid with similar properties. This amino acid position is conserved. In addition, the in silico prediction for this alteration is inconclusive. Since supporting evidence is limited at this time, the clinical significance of this alteration remains unclear.

NM_001868.4(CPA1):c.662C>T (p.Thr221Ile)

Gene: CPA1 (carboxypeptidase A1; plus strand). Cytogenetic location: 7q32.2.
Variant type: single nucleotide variant.
Coding change: c.662C>T on transcript NM_001868.4 (MANE Select); coding-DNA position 662, C replaced by T.
Protein change: p.Thr221Ile; replaces threonine 221 with isoleucine.
Molecular consequence: missense variant.
Genome position (GRCh38, 1-based): chr7:130,383,760, C>T. VCF-style: chr7-130383760-C-T. GRCh37 (hg19) VCF-style: chr7-130023601-C-T.
Other names: short protein forms T221I.
Identifiers: ClinVar variation 3221844 (VCV003221844.2), dbSNP rs2536008887, ClinGen allele CA369282793.